The following is an entry in ClinVar:

NM_001374828.1(ARID1B):c.42GCGGGC[1] (p.15RA[1])

Genes: ARID1B (AT-rich interaction domain 1B; plus strand), LOC115308161 (uncharacterized LOC115308161; minus strand). Cytogenetic location: 6q25.3.
Variant type: Microsatellite.
Coding change: c.42GCGGGC[1] on transcript NM_001374828.1 (MANE Select); one copy of the 6-base unit GCGGGC starting at c.42; the reference has three copies in a row; two copies, 12 bases deleted.
Protein change: p.15RA[1].
Molecular consequence: inframe deletion.
Genome position (GRCh38, 1-based): chr6:156,777,728-156,777,739, GCGGGCGCGGGC deleted; deleting any 12 consecutive bases within chr6:156,777,719-156,777,739 gives the same sequence; the position shown is the placement nearest the transcript's 3' end. VCF-style (leftmost placement, unchanged base first): chr6-156777718-CGGCGCGGGCGCG-C. GRCh37 (hg19) VCF-style: chr6-157098852-CGGCGCGGGCGCG-C.
Other names: c.42GCGGGC[1], p.15RA[1] (NM_001371656.1, NM_001374820.1, NM_017519.3).
Identifiers: ClinVar variation 1676049 (VCV001676049.33), dbSNP rs1157870200, ClinGen allele CA571627078.

ClinVar aggregate classification (germline): Likely benign (1 of 4 stars; one submission).

Submission:

CeGaT Center for Human Genetics Tuebingen
Classification: Likely benign. Last evaluated: 2023-10-01. Review status: criteria provided, single submitter. Criteria: CeGaT Center For Human Genetics Tuebingen Variant Classification Criteria Version 2. Collection method: clinical testing. Allele origin: germline. Affected: yes. Observed: 2 variant alleles.
Comment: ARID1B: BS1